The following is an entry in ClinVar:

ClinVar aggregate classification (germline): Uncertain significance (1 of 4 stars; one submission).

Conditions:
CHARGE syndrome (CHARGE). Also called: Hittner Hirsch Kreh syndrome; CHARGE ASSOCIATION--COLOBOMA, HEART ANOMALY, CHOANAL ATRESIA, RETARDATION, GENITAL AND EAR ANOMALIES; Coloboma, heart anomaly, choanal atresia, retardation, genital and ear anomalies; CHARGE association; Hall-Hittner syndrome. Identifiers: Orphanet 138, MedGen C0265354, MONDO:0008965.

gnomAD v4.1: 1 of 1,613,750 alleles (0.000062%); highest among the groups gnomAD compares: Non-Finnish European, 0.000085%; no homozygotes.

Submission:

Labcorp Genetics (formerly Invitae), Labcorp
Classification: Uncertain significance for CHARGE syndrome. Last evaluated: 2022-04-17. Review status: criteria provided, single submitter. Criteria: Invitae Variant Classification Sherloc (09022015). Collection method: clinical testing. Allele origin: germline.
Comment: In summary, the available evidence is currently insufficient to determine the role of this variant in disease. Therefore, it has been classified as a Variant of Uncertain Significance. Algorithms developed to predict the effect of missense changes on protein structure and function are either unavailable or do not agree on the potential impact of this missense change (SIFT: "Deleterious"; PolyPhen-2: "Benign"; Align-GVGD: "Class C0"). This variant has not been reported in the literature in individuals affected with SEMA3E-related conditions. This variant is present in population databases (no rsID available, gnomAD 0.0009%). This sequence change replaces glutamine, which is neutral and polar, with histidine, which is basic and polar, at codon 447 of the SEMA3E protein (p.Gln447His).

NM_012431.3(SEMA3E):c.1341A>C (p.Gln447His)

Gene: SEMA3E (semaphorin 3E; minus strand). Cytogenetic location: 7q21.11.
Variant type: single nucleotide variant.
Coding change: c.1341A>C on transcript NM_012431.3 (MANE Select); coding-DNA position 1341, A replaced by C.
Protein change: p.Gln447His; replaces glutamine 447 with histidine.
Molecular consequence: missense variant.
Genome position (GRCh38, 1-based): chr7:83,400,053, T>G on the plus strand (A>C on the coding strand, the complement: SEMA3E is on the minus strand). VCF-style: chr7-83400053-T-G. GRCh37 (hg19) VCF-style: chr7-83029369-T-G.
Other names: c.1161A>C, p.Gln387His (NM_001178129.2); short protein forms Q447H, Q387H.
Identifiers: ClinVar variation 1937404 (VCV001937404.5), dbSNP rs149235216, ClinGen allele CA367927117.